The following is an entry in ClinVar:

NM_020925.4(CACHD1):c.838C>T (p.Gln280Ter)

Gene: CACHD1 (cache domain containing 1; plus strand). Cytogenetic location: 1p31.3.
Variant type: single nucleotide variant.
Coding change: c.838C>T on transcript NM_020925.4 (MANE Select); coding-DNA position 838, C replaced by T.
Protein change: p.Gln280Ter; replaces glutamine 280 with a stop codon.
Molecular consequence: nonsense. On other transcripts: 5 prime UTR variant (1).
Genome position (GRCh38, 1-based): chr1:64,634,092, C>T. VCF-style: chr1-64634092-C-T. GRCh37 (hg19) VCF-style: chr1-65099775-C-T.
Other names: c.-51C>T (NM_001293274.2); short protein forms Q280*.
Identifiers: ClinVar variation 5019812 (VCV005019812.1).

ClinVar aggregate classification (germline): Likely pathogenic (1 of 4 stars; one submission).

Conditions:
DAVIS-WELLS SYNDROME (DVWS). Identifiers: MedGen CN381614, OMIM 621566.

Submission:

Juno Genomics, Hangzhou Juno Genomics, Inc
Classification: Likely pathogenic for DAVIS-WELLS SYNDROME. Review status: criteria provided, single submitter. Criteria: ACMG Guidelines, 2015. Collection method: clinical testing. Allele origin: germline. Affected: yes.
Comment: Absent from controls (or at extremely low frequency if recessive) in Genome Aggregation Database.;Null variant in a gene where loss of function (LOF) is a known mechanism of disease.;For recessive disorders, detected in trans with a pathogenic variant.;Patient's phenotype or family history is highly specific for a disease with a single genetic etiology.